The following is an entry in ClinVar:

NM_178822.5(IGSF10):c.4577C>T (p.Pro1526Leu)

Gene: IGSF10 (immunoglobulin superfamily member 10; minus strand). Cytogenetic location: 3q25.1.
Variant type: single nucleotide variant.
Coding change: c.4577C>T on transcript NM_178822.5 (MANE Select); coding-DNA position 4577, C replaced by T.
Protein change: p.Pro1526Leu; replaces proline 1526 with leucine.
Molecular consequence: missense variant.
Genome position (GRCh38, 1-based): chr3:151,445,404, G>A on the plus strand (C>T on the coding strand, the complement: IGSF10 is on the minus strand). VCF-style: chr3-151445404-G-A. GRCh37 (hg19) VCF-style: chr3-151163192-G-A.
Other names: c.4577C>T, p.Pro1526Leu (NM_001385060.1, NM_001385061.1, NM_001385062.1 and 1 more transcripts); short protein forms P1526L.
Identifiers: ClinVar variation 3676369 (VCV003676369.2).

ClinVar aggregate classification (germline): Uncertain significance (1 of 4 stars; one submission).

gnomAD v4.1: 6 of 1,614,070 alleles (0.00037%); highest among the groups gnomAD compares: Admixed American, 0.0017%; no homozygotes.

Submission:

Labcorp Genetics (formerly Invitae), Labcorp
Classification: Uncertain significance. Last evaluated: 2025-10-02. Review status: criteria provided, single submitter. Criteria: Invitae Variant Classification Sherloc (09022015). Collection method: clinical testing. Allele origin: germline.
Comment: This sequence change replaces proline, which is neutral and non-polar, with leucine, which is neutral and non-polar, at codon 1526 of the IGSF10 protein (p.Pro1526Leu). This variant is present in population databases (rs762020980, gnomAD 0.002%). This variant has not been reported in the literature in individuals affected with IGSF10-related conditions. ClinVar contains an entry for this variant (Variation ID: 3676369). An algorithm developed to predict the effect of missense changes on protein structure and function (PolyPhen-2) suggests that this variant is likely to be tolerated. In summary, the available evidence is currently insufficient to determine the role of this variant in disease. Therefore, it has been classified as a Variant of Uncertain Significance.